The following is an entry in ClinVar:

NM_017951.5(SMPD4):c.426del (p.Gly144fs)

Gene: SMPD4 (sphingomyelin phosphodiesterase 4; minus strand). Cytogenetic location: 2q21.1.
Variant type: Deletion.
Coding change: c.426del on transcript NM_017951.5 (MANE Select); coding-DNA position 426, one base deleted (T; older notation c.426delT).
Protein change: p.Gly144fs; shifts the reading frame from glycine 144.
Molecular consequence: frameshift variant. On other transcripts: non-coding transcript variant (2).
Genome position (GRCh38, 1-based): chr2:130,172,815, A deleted on the plus strand (T on the coding strand, the reverse complement: SMPD4 is on the minus strand). VCF-style (leftmost placement, unchanged base first): chr2-130172814-CA-C. GRCh37 (hg19) VCF-style: chr2-130930387-CA-C.
Other names: c.324del, p.Gly110fs (NM_001171083.2); c.543del, p.Gly183fs (NM_017751.4); short protein forms G144fs, G183fs, G110fs.
Identifiers: ClinVar variation 5009856 (VCV005009856.1).

ClinVar aggregate classification (germline): Pathogenic (1 of 4 stars; one submission).

Submission:

GeneDx
Classification: Pathogenic. Last evaluated: 2026-03-12. Review status: criteria provided, single submitter. Criteria: GeneDx Variant Classification Process June 2021. Collection method: clinical testing. Allele origin: germline.
Comment: Frameshift variant predicted to result in protein truncation or nonsense mediated decay in a gene for which loss of function is a known mechanism of disease; Not observed at significant frequency in large population cohorts (gnomAD); Has not been previously published as pathogenic or benign to our knowledge